The following is an entry in ClinVar:

NM_005654.6(NR2F1):c.320A>G (p.Lys107Arg)

Genes: NR2F1 (nuclear receptor subfamily 2 group F member 1; plus strand), NR2F1-AS1 (NR2F1 regulatory antisense RNA 1; minus strand). Cytogenetic location: 5q15.
Variant type: single nucleotide variant.
Coding change: c.320A>G on transcript NM_005654.6 (MANE Select); coding-DNA position 320, A replaced by G.
Protein change: p.Lys107Arg; replaces lysine 107 with arginine.
Molecular consequence: missense variant.
Genome position (GRCh38, 1-based): chr5:93,585,343, A>G. VCF-style: chr5-93585343-A-G. GRCh37 (hg19) VCF-style: chr5-92921049-A-G.
Other names: short protein forms K107R.
Identifiers: ClinVar variation 1098337 (VCV001098337.4), dbSNP rs2149941608, ClinGen allele CA360526013.
Genomic context (GRCh38, chr5:93,585,343, plus strand): 5'-TGGTGTGCGGGGACAAGTCGAGCGGCAAGCACTACGGCCAATTCACCTGCGAGGGCTGCA[A>G]AAGTTTCTTCAAGAGGAGCGTCCGCAGGAACTTAACTTACACATGCCGTGCCAACAGGAA-3'
Protein context (NP_005645.1, residues 97-117): HYGQFTCEGC[Lys107Arg]SFFKRSVRRN

ClinVar aggregate classification (germline): Pathogenic/Likely pathogenic. Review status: criteria provided, multiple submitters, no conflicts (2 of 4 stars). 2 submissions from 2 submitters: Pathogenic (1); Likely pathogenic (1). Last evaluated 2022-12-08.

Submissions (2):

GeneDx
Classification: Pathogenic. Last evaluated: 2022-12-08. Review status: criteria provided, single submitter. Criteria: GeneDx Variant Classification Process June 2021. Collection method: clinical testing. Allele origin: germline. Affected: yes.
Comment: Observed in an individual with Bosch-Boonstra-Schaaf optic atrophy syndrome in published literature; however, no further information was provided (Billiet et al., 2022); Not observed in large population cohorts (gnomAD); In silico analysis supports that this missense variant does not alter protein structure/function; This variant is associated with the following publications: (PMID: 26986877, 34837429)

Genetics Laboratory, UDIAT-Centre Diagnòstic, Hospital Universitari Parc Tauli
Classification: Likely pathogenic. Last evaluated: 2021-04-26. Review status: criteria provided, single submitter. Criteria: Parc Tauli Hospital Assertion Criteria 2021. Collection method: clinical testing. Allele origin: de novo. Inheritance: Autosomal dominant inheritance. Affected: yes. Observed: 1 heterozygote.
Comment: PM1_moderate;PM2_supporting;PM6_moderate;PP2_supporting;PP3_supporting